The following is an entry in ClinVar:

ClinVar aggregate classification (germline): Conflicting classifications of pathogenicity. Review status: criteria provided, conflicting classifications (1 of 4 stars). 2 submissions from 2 submitters: Uncertain significance (1); Likely benign (1). Last evaluated 2025-07-21.

Conditions:
Cardiovascular phenotype. Identifiers: MedGen CN230736.
Hereditary cancer-predisposing syndrome. Also called: Neoplastic Syndromes, Hereditary; Hereditary Cancer Syndrome; Tumor predisposition; Hereditary neoplastic syndrome. Identifiers: Orphanet 140162, MedGen C0027672, MeSH D009386, MONDO:0015356.
Neurofibromatosis, type 1 (NF1). Also called: Peripheral type neurofibromatosis; VON RECKLINGHAUSEN DISEASE; NEUROFIBROMATOSIS, TYPE I, SOMATIC; Neurofibromatosis, type I. Identifiers: Orphanet 636, MedGen C0027831, MONDO:0018975, OMIM 162200. Disease mechanism: loss of function.

Allele frequency attached by ClinVar (database versions not stated): gnomAD exomes below 0.00001; TOPMed below 0.00001; gnomAD 0.00001.
gnomAD v4.1: 4 of 1,613,854 alleles (0.00025%); highest among the groups gnomAD compares: Non-Finnish European, 0.00034%; no homozygotes.

Submissions (2):

Labcorp Genetics (formerly Invitae), Labcorp
Classification: Likely benign for Neurofibromatosis, type 1. Last evaluated: 2025-07-21. Review status: criteria provided, single submitter. Criteria: Invitae Variant Classification Sherloc (09022015). Collection method: clinical testing. Allele origin: germline.

Ambry Genetics
Classification: Uncertain significance for Cardiovascular phenotype; Hereditary cancer-predisposing syndrome. Last evaluated: 2021-04-01. Review status: criteria provided, single submitter. Criteria: Ambry Variant Classification Scheme 2023. Collection method: clinical testing. Allele origin: germline.
Comment: The p.E244D variant (also known as c.732A>C), located in coding exon 8 of the NF1 gene, results from an A to C substitution at nucleotide position 732. The glutamic acid at codon 244 is replaced by aspartic acid, an amino acid with highly similar properties. This amino acid position is well conserved in available vertebrate species. In addition, this alteration is predicted to be tolerated by in silico analysis. Since supporting evidence is limited at this time, the clinical significance of this alteration remains unclear.

NM_001042492.3(NF1):c.732A>C (p.Glu244Asp)

Gene: NF1 (neurofibromin 1; plus strand). Cytogenetic location: 17q11.2.
Variant type: single nucleotide variant.
Coding change: c.732A>C on transcript NM_001042492.3 (MANE Select); coding-DNA position 732, A replaced by C.
Protein change: p.Glu244Asp; replaces glutamic acid 244 with aspartic acid.
Molecular consequence: missense variant.
Genome position (GRCh38, 1-based): chr17:31,182,509, A>C. VCF-style: chr17-31182509-A-C. GRCh37 (hg19) VCF-style: chr17-29509527-A-C.
Other names: c.732A>C, p.Glu244Asp (NM_000267.4, NM_001128147.3); short protein forms E244D.
Identifiers: ClinVar variation 582716 (VCV000582716.10), dbSNP rs1567826603, ClinGen allele CA398990463.